The following is an entry in ClinVar:

NM_000521.4(HEXB):c.542A>C (p.Gln181Pro)

Gene: HEXB (hexosaminidase subunit beta; plus strand). Cytogenetic location: 5q13.3.
Variant type: single nucleotide variant.
Coding change: c.542A>C on transcript NM_000521.4 (MANE Select); coding-DNA position 542, A replaced by C.
Protein change: p.Gln181Pro; replaces glutamine 181 with proline.
Molecular consequence: missense variant. On other transcripts: 5 prime UTR variant (1).
Genome position (GRCh38, 1-based): chr5:74,696,723, A>C. VCF-style: chr5-74696723-A-C. GRCh37 (hg19) VCF-style: chr5-73992548-A-C.
Other names: c.-134A>C (NM_001292004.2); short protein forms Q181P.
Identifiers: ClinVar variation 1406726 (VCV001406726.7), dbSNP rs1177358563, ClinGen allele CA360063689.

ClinVar aggregate classification (germline): Uncertain significance (1 of 4 stars; one submission).

Conditions:
Sandhoff disease. Also called: Beta-hexosaminidase-beta-subunit deficiency; GM2 gangliosidosis, type 2; Total hexosaminidase deficiency; Sandhoff-Jatzkewitz-Pilz disease; GM2-GANGLIOSIDOSIS, TYPE II; HEXOSAMINIDASES A AND B DEFICIENCY. Identifiers: Orphanet 796, MedGen C0036161, MONDO:0010006, OMIM 268800.

Allele frequency attached by ClinVar (database versions not stated): TOPMed 0.00001.

Submission:

Labcorp Genetics (formerly Invitae), Labcorp
Classification: Uncertain significance for Sandhoff disease. Last evaluated: 2022-07-19. Review status: criteria provided, single submitter. Criteria: Invitae Variant Classification Sherloc (09022015). Collection method: clinical testing. Allele origin: germline.
Comment: In summary, the available evidence is currently insufficient to determine the role of this variant in disease. Therefore, it has been classified as a Variant of Uncertain Significance. Advanced modeling of protein sequence and biophysical properties (such as structural, functional, and spatial information, amino acid conservation, physicochemical variation, residue mobility, and thermodynamic stability) performed at Invitae indicates that this missense variant is not expected to disrupt HEXB protein function. ClinVar contains an entry for this variant (Variation ID: 1406726). This variant has not been reported in the literature in individuals affected with HEXB-related conditions. This variant is not present in population databases (gnomAD no frequency). This sequence change replaces glutamine, which is neutral and polar, with proline, which is neutral and non-polar, at codon 181 of the HEXB protein (p.Gln181Pro).